The following is an entry in ClinVar:

ClinVar aggregate classification (germline): Uncertain significance (1 of 4 stars; one submission).

Conditions:
Developmental and epileptic encephalopathy, 9 (DEE9). Also called: Early infantile epileptic encephalopathy 9; JUBERG-HELLMAN SYNDROME; EPILEPSY, FEMALE-RESTRICTED, WITH MENTAL RETARDATION; PCDH19-Related X-Linked Female-Limited Epilepsy with Mental Retardation. Identifiers: Orphanet 101039, Orphanet 2076, MedGen C1848137, MONDO:0010246, OMIM 300088. Disease mechanism: loss of function.

Submission:

Labcorp Genetics (formerly Invitae), Labcorp
Classification: Uncertain significance for Developmental and epileptic encephalopathy, 9. Last evaluated: 2022-08-23. Review status: criteria provided, single submitter. Criteria: Invitae Variant Classification Sherloc (09022015). Collection method: clinical testing. Allele origin: germline.
Comment: In summary, the available evidence is currently insufficient to determine the role of this variant in disease. Therefore, it has been classified as a Variant of Uncertain Significance. Algorithms developed to predict the effect of missense changes on protein structure and function are either unavailable or do not agree on the potential impact of this missense change (SIFT: "Tolerated"; PolyPhen-2: "Probably Damaging"; Align-GVGD: "Class C0"). ClinVar contains an entry for this variant (Variation ID: 1515439). This variant has not been reported in the literature in individuals affected with PCDH19-related conditions. This variant is not present in population databases (gnomAD no frequency). This sequence change replaces serine, which is neutral and polar, with proline, which is neutral and non-polar, at codon 495 of the PCDH19 protein (p.Ser495Pro).

NM_001184880.2(PCDH19):c.1483T>C (p.Ser495Pro)

Gene: PCDH19 (protocadherin 19; minus strand). Cytogenetic location: Xq22.1.
Variant type: single nucleotide variant.
Coding change: c.1483T>C on transcript NM_001184880.2 (MANE Select); coding-DNA position 1483, T replaced by C.
Protein change: p.Ser495Pro; replaces serine 495 with proline.
Molecular consequence: missense variant.
Genome position (GRCh38, 1-based): chrX:100,407,115, A>G on the plus strand (T>C on the coding strand, the complement: PCDH19 is on the minus strand). VCF-style: chrX-100407115-A-G. GRCh37 (hg19) VCF-style: chrX-99662113-A-G.
Other names: c.1483T>C, p.Ser495Pro (NM_001105243.2, NM_020766.3); short protein forms S495P.
Identifiers: ClinVar variation 1515439 (VCV001515439.8), dbSNP rs2147538640, ClinGen allele CA414002632.
Genomic context (GRCh38, chrX:100,407,115, plus strand): 5'-TGTCGCCTGAGTTGGGATTGATGGAGACATAGGTGAAGACAGGCATGTCCCGCACCTGCG[A>G]CGGCACGATCTGGTAGGAGACACTGCCGTTGAGACCCAGGTCGGGGTCGCGAGCAGACAC-3'
Protein context (NP_001171809.1, residues 485-505): NGSVSYQIVP[Ser495Pro]QVRDMPVFTY